The following is an entry in ClinVar:

ClinVar aggregate classification (germline): Uncertain significance (1 of 4 stars; one submission).

Conditions:
Developmental and epileptic encephalopathy. Identifiers: MedGen C5779964, MONDO:0100620.

Submission:

Labcorp Genetics (formerly Invitae), Labcorp
Classification: Uncertain significance for Early-infantile DEE. Last evaluated: 2020-10-28. Review status: criteria provided, single submitter. Criteria: Invitae Variant Classification Sherloc (09022015). Collection method: clinical testing. Allele origin: germline.
Comment: In summary, the available evidence is currently insufficient to determine the role of this variant in disease. Therefore, it has been classified as a Variant of Uncertain Significance. Nucleotide substitutions within the consensus splice site are a relatively common cause of aberrant splicing (PMID: 17576681, 9536098). Algorithms developed to predict the effect of sequence changes on RNA splicing suggest that this variant may disrupt the consensus splice site, but this prediction has not been confirmed by published transcriptional studies. This variant has not been reported in the literature in individuals with CACNA2D2-related conditions. This variant is present in population databases (rs763922527, ExAC 0.002%). This sequence change falls in intron 26 of the CACNA2D2 gene. It does not directly change the encoded amino acid sequence of the CACNA2D2 protein. It affects a nucleotide within the consensus splice site of the intron.

Literature cited by the submitters: PubMed 17576681; PubMed 9536098.

NM_006030.4(CACNA2D2):c.2297+3_2297+6del

Genes: CACNA2D2 (calcium voltage-gated channel auxiliary subunit alpha2delta 2; minus strand), LOC101928965 (uncharacterized LOC101928965; plus strand), LOC127898564 (CYB561D2-LOC101928965; plus strand). Cytogenetic location: 3p21.31.
Variant type: Microsatellite.
Coding change: c.2297+3_2297+6del on transcript NM_006030.4 (MANE Select); bases 3 to 6 of the intron after coding-DNA position 2297, 4 bases deleted (AAGT; older notation c.2297+3_2297+6delAAGT).
Molecular consequence: splice donor variant.
Genome position (GRCh38, 1-based): chr3:50,367,636-50,367,639, ACTT deleted on the plus strand (AAGT on the coding strand, the reverse complement: CACNA2D2 is on the minus strand); deleting any 4 consecutive bases within chr3:50,367,636-50,367,643 gives the same sequence; the c. name uses the placement nearest the transcript's 3' end. VCF-style (leftmost placement, unchanged base first): chr3-50367635-CACTT-C. GRCh37 (hg19) VCF-style: chr3-50405066-CACTT-C.
Other names: c.2090+3_2090+6del (NM_001291101.1); c.2297+3_2297+6del (NM_001005505.3); c.2318+3_2318+6del (NM_001174051.3).
Identifiers: ClinVar variation 1060835 (VCV001060835.4), dbSNP rs763922527, ClinGen allele CA2418532.